The following is an entry in ClinVar:

ClinVar aggregate classification (germline): Benign/Likely benign. Review status: criteria provided, multiple submitters, no conflicts (2 of 4 stars). 3 submissions from 3 submitters: Benign (1); Likely benign (1). 1 of the submissions does not count toward it. Last evaluated 2026-07-01.

Conditions:
STRADA-related disorder. Also called: STRADA-related condition.
Polyhydramnios, megalencephaly, and symptomatic epilepsy (PMSE). Also called: PMSE SYNDROME. Identifiers: Orphanet 500533, MedGen C1970203, MONDO:0012611, OMIM 611087.

Allele frequency attached by ClinVar (database versions not stated): gnomAD exomes 0.00036 and 0.00118; ExAC 0.00135; 1000 Genomes Project 0.00300; 1000 Genomes Project 30x 0.00344; gnomAD 0.00364 and 0.00393; TOPMed 0.00443; ESP Exome Variant Server 0.00454.
gnomAD v4.1: 1,120 of 1,614,006 alleles (0.069%); highest among the groups gnomAD compares: African/African-American, 1.3%; 7 homozygotes.

Submissions (4):

CeGaT Center for Human Genetics Tuebingen
Classification: Likely benign. Last evaluated: 2026-07-01. Review status: criteria provided, single submitter. Criteria: CeGaT Center For Human Genetics Tuebingen Variant Classification Criteria Version 2. Collection method: clinical testing. Allele origin: germline. Affected: yes. Observed: 4 variant alleles.
Comment: STRADA: BS1

Labcorp Genetics (formerly Invitae), Labcorp
Classification: Benign for Polyhydramnios, megalencephaly, and symptomatic epilepsy. Last evaluated: 2026-02-03. Review status: criteria provided, single submitter. Criteria: Invitae Variant Classification Sherloc (09022015). Collection method: clinical testing. Allele origin: germline.

PreventionGenetics, part of Exact Sciences
Classification: Benign for STRADA-related condition. Last evaluated: 2019-07-12. Review status: no assertion criteria provided. Collection method: clinical testing. Allele origin: germline. Not counted in ClinVar's aggregate classification.
Comment: This variant is classified as benign based on ACMG/AMP sequence variant interpretation guidelines (Richards et al. 2015 PMID: 25741868, with internal and published modifications).

Dr. Peter K. Rogan Lab, Western University
No classification provided (evidence only). Condition: Uterine corpus endometrial carcinoma. Review status: no classification provided. Collection method: in vitro. Allele origin: not applicable. Functional consequence: retained intron. Not counted in ClinVar's aggregate classification.

NM_001003787.4(STRADA):c.508C>G (p.Leu170Val)

Genes: STRADA (STE20 related adaptor alpha; minus strand), LOC125312417 (Sharpr-MPRA regulatory region 9817; plus strand). Cytogenetic location: 17q23.3.
Variant type: single nucleotide variant.
Coding change: c.508C>G on transcript NM_001003787.4 (MANE Select); coding-DNA position 508, C replaced by G.
Protein change: p.Leu170Val; replaces leucine 170 with valine.
Molecular consequence: missense variant. On other transcripts: non-coding transcript variant (1).
Genome position (GRCh38, 1-based): chr17:63,710,564, G>C on the plus strand (C>G on the coding strand, the complement: STRADA is on the minus strand). VCF-style: chr17-63710564-G-C. GRCh37 (hg19) VCF-style: chr17-61787924-G-C.
Other names: c.397C>G, p.Leu133Val (NM_001003786.3, NM_001363789.1, NM_153335.6); c.334C>G, p.Leu112Val (NM_001003788.3, NM_001363790.1, NM_001363791.1); c.421C>G, p.Leu141Val (NM_001165969.2, NM_001363787.1); c.376C>G, p.Leu126Val (NM_001165970.2); c.484C>G, p.Leu162Val (NM_001363786.1); c.508C>G, p.Leu170Val (NM_001363788.1); short protein forms L170V, L112V, L162V, L126V, L133V, L141V.
Identifiers: ClinVar variation 468884 (VCV000468884.36), dbSNP rs61734984, ClinGen allele CA8703371.